The following is an entry in ClinVar:

NM_000053.4(ATP7B):c.3106G>A (p.Val1036Ile)

Gene: ATP7B (ATPase copper transporting beta; minus strand). Cytogenetic location: 13q14.3.
Variant type: single nucleotide variant.
Coding change: c.3106G>A on transcript NM_000053.4 (MANE Select); coding-DNA position 3106, G replaced by A.
Protein change: p.Val1036Ile; replaces valine 1036 with isoleucine.
Molecular consequence: missense variant.
Genome position (GRCh38, 1-based): chr13:51,944,246, C>T on the plus strand (G>A on the coding strand, the complement: ATP7B is on the minus strand). VCF-style: chr13-51944246-C-T. GRCh37 (hg19) VCF-style: chr13-52518382-C-T.
Other names: p.Val1036Il; c.2485G>A, p.Val829Ile (NM_001005918.3); c.2773G>A, p.Val925Ile (NM_001243182.2); c.2872G>A, p.Val958Ile (NM_001330578.2); c.2854G>A, p.Val952Ile (NM_001330579.2); short protein forms V1036I, V829I, V925I, V952I, V958I.
Identifiers: ClinVar variation 553574 (VCV000553574.24), dbSNP rs761147984, ClinGen allele CA6988807.

ClinVar aggregate classification (germline): Uncertain significance. Review status: criteria provided, multiple submitters, no conflicts (2 of 4 stars). 12 submissions from 12 submitters: Uncertain significance (10). 2 of the submissions do not count toward it. Last evaluated 2025-06-05.

Conditions:
Inborn genetic diseases. Identifiers: MedGen C0950123, MeSH D030342.
Wilson disease (WND). Also called: Wilson's disease. Identifiers: Orphanet 905, MedGen C0019202, MONDO:0010200, OMIM 277900. Disease mechanism: loss of function.

Allele frequency attached by ClinVar (database versions not stated): gnomAD 0.00003; TOPMed 0.00005; gnomAD exomes 0.00009; ExAC 0.00012.
gnomAD v4.1: 82 of 1,613,962 alleles (0.0051%); highest among the groups gnomAD compares: South Asian, 0.0088%; no homozygotes.

Submissions (12):

Color Diagnostics, LLC DBA Color Health
Classification: Uncertain significance for Wilson disease. Last evaluated: 2025-06-05. Review status: criteria provided, single submitter. Criteria: ACMG Guidelines, 2015. Collection method: clinical testing. Allele origin: germline.
Comment: This missense variant replaces valine with isoleucine at codon 1036 of the ATP7B protein. Computational prediction is inconclusive regarding the impact of this variant on protein structure and function. A functional study has shown that this variant causes a partial loss of copper transport function (PMID: 26004889). This variant has been reported in individuals affected with Wilson disease (PMID: 19062534, 23333878). In one of these probands, this variant co-occurred with a known pathogenic variant p.Ala1003Thr in the same gene (PMID: 23333878). This variant has been identified in 23/280234 chromosomes in the general population by the Genome Aggregation Database (gnomAD). The available evidence is insufficient to determine the role of this variant in disease conclusively. Therefore, this variant is classified as a Variant of Uncertain Significance.

All of Us Research Program, National Institutes of Health
Classification: Uncertain significance for Wilson disease. Last evaluated: 2024-09-28. Review status: criteria provided, single submitter. Criteria: ACMG Guidelines, 2015. Collection method: clinical testing. Allele origin: germline. Inheritance: Autosomal recessive inheritance. Observed: 19 variant alleles, 19 heterozygotes.
Comment: This missense variant replaces valine with isoleucine at codon 1036 of the ATP7B protein. Computational prediction is inconclusive regarding the impact of this variant on protein structure and function (internally defined REVEL score threshold 0.5 < inconclusive < 0.7, PMID: 27666373). Functional studies have shown that this variant disrupts copper transport and cell growth (PMID: 26004889). This variant has been reported in individuals affected with Wilson disease (PMID: 19062534, 23333878). This variant has been identified in 23/280234 chromosomes in the general population by the Genome Aggregation Database (gnomAD). The available evidence is insufficient to determine the role of this variant in disease conclusively. Therefore, this variant is classified as a Variant of Uncertain Significance.

This study involves interpretation of variants in research participants for the purpose of population health screening. Participant phenotype was not available at the time of variant classification. Additional details can be found in publication PMID: 35346344, PMCID: PMC8962531

Molecular Genetics and NGS Laboratory, Hospital Fundacion Valle Del Lili
Classification: Uncertain significance for Wilson disease. Last evaluated: 2024-08-22. Review status: criteria provided, single submitter. Criteria: ACMG Guidelines, 2015. Collection method: clinical testing. Allele origin: germline. Affected: yes. Observed: 1 variant allele.
Comment: Hot-spot of length 17 amino-acids has 26 missense/in-frame variants (16 pathogenic variants, 10 uncertain variants and no benign), which qualifies as moderate pathogenic (PM1). GnomAD genomes homozygous allele count = 0 is less than 2 for AR gene ATP7B. GnomAD exomes homozygous allele count = 0 is less than 2 for AR gene ATP7B (PM2). Combined evidence strength is Supporting (score = 1).Supporting: UniProt Variants classifies this variant as Pathogenic (PP5). MetaRNN = 0.367 is between 0.267 and 0.43 ⇒ supporting benign (BP4).

Fulgent Genetics
Classification: Uncertain significance for Wilson disease. Last evaluated: 2024-05-28. Review status: criteria provided, single submitter. Criteria: ACMG Guidelines, 2015. Collection method: clinical testing. Allele origin: germline.

Women's Health and Genetics/Laboratory Corporation of America, LabCorp
Classification: Uncertain significance. Last evaluated: 2024-02-27. Review status: criteria provided, single submitter. Criteria: LabCorp Variant Classification Summary - May 2015. Collection method: clinical testing. Allele origin: germline.
Comment: Variant summary: ATP7B c.3106G>A (p.Val1036Ile) results in a conservative amino acid change located in the P-type ATPase, haloacid dehalogenase domain (IPR044492) of the encoded protein sequence. Three of five in-silico tools predict a benign effect of the variant on protein function. The variant allele was found at a frequency of 8.8e-05 in 248858 control chromosomes (gnomAD). This frequency is not significantly higher than estimated for a pathogenic variant in ATP7B causing Wilson Disease (8.8e-05 vs 0.0054), allowing no conclusion about variant significance. c.3106G>A has been reported in the literature in the heterozygous state and in the presumed compound heterozygous state in at least two individuals affected with Wilson Disease (e.g. Simsek Papur_2013, Zarina_2017). These data do not allow any conclusion about variant significance. At least one publication reports experimental evidence evaluating an impact on protein function (Simsek Papur_2015). The most pronounced variant effect results in intermediate effect on function as shown by a partial restoration of cell growth and non-restoration of copper transport activity in a yeast strain lacking the homologous CCC2 gene. The following publications have been ascertained in the context of this evaluation (PMID: 23333878, 19062534, 26004889, 28717664). ClinVar contains an entry for this variant (Variation ID: 553574). Based on the evidence outlined above, the variant was classified as VUS-possibly pathogenic.

Blueprint Genetics
Classification: Uncertain significance. Last evaluated: 2023-01-17. Review status: criteria provided, single submitter. Criteria: ACMG Guidelines, 2015. Collection method: clinical testing. Allele origin: germline.

Labcorp Genetics (formerly Invitae), Labcorp
Classification: Uncertain significance for Wilson disease. Last evaluated: 2022-09-10. Review status: criteria provided, single submitter. Criteria: Invitae Variant Classification Sherloc (09022015). Collection method: clinical testing. Allele origin: germline.
Comment: This sequence change replaces valine, which is neutral and non-polar, with isoleucine, which is neutral and non-polar, at codon 1036 of the ATP7B protein (p.Val1036Ile). This variant is present in population databases (rs761147984, gnomAD 0.02%). This missense change has been observed in individual(s) with Wilson disease (PMID: 25390358). ClinVar contains an entry for this variant (Variation ID: 553574). Advanced modeling of protein sequence and biophysical properties (such as structural, functional, and spatial information, amino acid conservation, physicochemical variation, residue mobility, and thermodynamic stability) performed at Invitae indicates that this missense variant is not expected to disrupt ATP7B protein function. Experimental studies have shown that this missense change affects ATP7B function (PMID: 26004889). In summary, the available evidence is currently insufficient to determine the role of this variant in disease. Therefore, it has been classified as a Variant of Uncertain Significance.

Ambry Genetics
Classification: Uncertain significance for Inborn genetic diseases. Last evaluated: 2021-08-26. Review status: criteria provided, single submitter. Criteria: Ambry Variant Classification Scheme 2023. Collection method: clinical testing. Allele origin: germline.
Comment: Krumina, 2008; Papur, 2015; Simsek Papur, 2013; Zarina, 2017 Based on insufficient or conflicting evidence, the clinical significance of this alteration remains unclear.

Genome-Nilou Lab
Classification: Uncertain significance for Wilson disease. Last evaluated: 2021-07-14. Review status: criteria provided, single submitter. Criteria: ACMG Guidelines, 2015. Collection method: clinical testing. Allele origin: germline. Affected: no.

ARUP Laboratories, Molecular Genetics and Genomics, ARUP Laboratories
Classification: Uncertain significance. Last evaluated: 2017-05-15. Review status: criteria provided, single submitter. Criteria: ARUP Molecular Germline Variant Investigation Process. Collection method: clinical testing. Allele origin: germline.
Comment: The ATP7B c.3106G>A;p.Val1036Ile variant has been described in at least two individuals with a clinical diagnosis of Wilson disease (Krumina 2008, Simsek Papur 2013). The variant is not listed in the ClinVar database, but is in the dbSNP variant database (rs761147984) with an allele frequency of 0.008319 percent (23/276486 alleles) in the Genome Aggregation Database. The amino acid at this position is moderately conserved across species and computational algorithms (AlignGVGD, PolyPhen2, SIFT) predict this variant is tolerated. However, at least one report shows this variant may be at least partially defective (Papur 2015). Considering available information, the clinical significance of this variant cannot be determined with certainty. References: Krumina A et al. From clinical and biochemical to molecular genetic diagnosis of Wilson disease in Latvia. Genetika. 2008 Oct;44(10):1379-84. Papur OS et al. Functional characterization of new mutations in Wilson disease gene (ATP7B) using the yeast model. J Trace Elem Med Biol. 2015;31:33-6. Simsek Papur O et al. Mutation analysis of ATP7B gene in Turkish Wilson disease patients: identification of five novel mutations. Eur J Med Genet. 2013 Apr;56(4):175-9.

Natera, Inc.
Classification: Uncertain significance for Wilson disease. Last evaluated: 2020-09-16. Review status: no assertion criteria provided. Collection method: clinical testing. Allele origin: germline. Not counted in ClinVar's aggregate classification.

Counsyl
Classification: Uncertain significance for Wilson disease. Last evaluated: 2017-11-15. Review status: no assertion criteria provided. Collection method: clinical testing. Allele origin: unknown. Not counted in ClinVar's aggregate classification.

Literature cited by the submitters: PubMed 19062534 (cited by 5 submitters); PubMed 23333878 (cited by 5 submitters); PubMed 26004889 (cited by 6 submitters); PubMed 28717664 (cited by Women's Health and Genetics/Laboratory Corporation of America, LabCorp and Ambry Genetics); PubMed 25390358 (cited by Labcorp Genetics (formerly Invitae), Labcorp).